The following is an entry in ClinVar:

ClinVar aggregate classification (germline): Benign. Review status: criteria provided, multiple submitters, no conflicts (2 of 4 stars). 5 submissions from 5 submitters: Benign (4). 1 of the submissions does not count toward it. Last evaluated 2026-02-01.

Conditions:
RIPOR2-related disorder. Also called: RIPOR2-related condition.

Allele frequency attached by ClinVar (database versions not stated): gnomAD exomes 0.00460 and 0.00678; ExAC 0.01005; 1000 Genomes Project 0.02276; gnomAD 0.02295 and 0.02466; ESP Exome Variant Server 0.02300; 1000 Genomes Project 30x 0.02452; TOPMed 0.02565.
gnomAD v4.1: 10,048 of 1,551,306 alleles (0.65%); highest among the groups gnomAD compares: African/African-American, 7.4%; 226 homozygotes.

Submissions (5):

Labcorp Genetics (formerly Invitae), Labcorp
Classification: Benign. Last evaluated: 2026-02-01. Review status: criteria provided, single submitter. Criteria: Invitae Variant Classification Sherloc (09022015). Collection method: clinical testing. Allele origin: germline.

Athena Diagnostics
Classification: Benign. Last evaluated: 2018-05-24. Review status: criteria provided, single submitter. Criteria: Athena Diagnostics Criteria. Collection method: clinical testing. Allele origin: germline.

GeneDx
Classification: Benign. Last evaluated: 2017-10-23. Review status: criteria provided, single submitter. Criteria: GeneDx Variant Classification (06012015). Collection method: clinical testing. Allele origin: germline. Affected: yes.
Comment: This variant is considered likely benign or benign based on one or more of the following criteria: it is a conservative change, it occurs at a poorly conserved position in the protein, it is predicted to be benign by multiple in silico algorithms, and/or has population frequency not consistent with disease.

Laboratory for Molecular Medicine, Mass General Brigham Personalized Medicine
Classification: Benign. Last evaluated: 2017-08-23. Review status: criteria provided, single submitter. Criteria: LMM Criteria. Collection method: clinical testing. Allele origin: germline. Observed: 6 variant alleles.
Comment: p.Val882Ile in exon 19 of FAM65B: This variant is not expected to have clinical significance because it has been identified in 7.48% (159/2126) of African chrom osomes by the Exome Aggregation Consortium (ExAC ; dbSNP rs61741706).

PreventionGenetics, part of Exact Sciences
Classification: Benign for RIPOR2-related condition. Last evaluated: 2019-06-26. Review status: no assertion criteria provided. Collection method: clinical testing. Allele origin: germline. Not counted in ClinVar's aggregate classification.
Comment: This variant is classified as benign based on ACMG/AMP sequence variant interpretation guidelines (Richards et al. 2015 PMID: 25741868, with internal and published modifications).

NM_001286445.3(RIPOR2):c.2581G>A (p.Val861Ile)

Gene: RIPOR2 (RHO family interacting cell polarization regulator 2; minus strand). Cytogenetic location: 6p22.3.
Variant type: single nucleotide variant.
Coding change: c.2581G>A on transcript NM_001286445.3 (MANE Select); coding-DNA position 2581, G replaced by A.
Protein change: p.Val861Ile; replaces valine 861 with isoleucine.
Molecular consequence: missense variant.
Genome position (GRCh38, 1-based): chr6:24,828,221, C>T on the plus strand (G>A on the coding strand, the complement: RIPOR2 is on the minus strand). VCF-style: chr6-24828221-C-T. GRCh37 (hg19) VCF-style: chr6-24828449-C-T.
Other names: c.2494G>A, p.Val832Ile (NM_001346031.2, NM_001346032.2); c.2644G>A, p.Val882Ile (NM_014722.5); c.2644G>A (NM_014722.4); short protein forms V882I, V832I, V861I.
Identifiers: ClinVar variation 508139 (VCV000508139.16), dbSNP rs61741706, ClinGen allele CA3659094.